The following is an entry in ClinVar:

NM_000019.4(ACAT1):c.1181_1211dup (p.Gln404fs)

Gene: ACAT1 (acetyl-CoA acetyltransferase 1; plus strand). Cytogenetic location: 11q22.3.
Variant type: Duplication.
Coding change: c.1181_1211dup on transcript NM_000019.4 (MANE Select); coding-DNA positions 1181 to 1211, 31 bases duplicated.
Protein change: p.Gln404fs; shifts the reading frame from glutamine 404.
Molecular consequence: frameshift variant.
Genome position (GRCh38, 1-based): chr11:108,147,287-108,147,317, 31 bases duplicated; duplicating any 31 consecutive bases within chr11:108,147,286-108,147,317 gives the same sequence; the c. name uses the placement nearest the transcript's 3' end. GRCh37 (hg19): chr11:108,018,014-108,018,044.
Other names: short protein forms Q404fs.
Identifiers: ClinVar variation 853510 (VCV000853510.9), dbSNP rs2077737059, ClinGen allele CA916083274.

ClinVar aggregate classification (germline): Pathogenic (1 of 4 stars; one submission).

Conditions:
Deficiency of acetyl-CoA acetyltransferase. Also called: MITOCHONDRIAL ACETOACETYL-CoA THIOLASE DEFICIENCY; Beta-ketothiolase deficiency; 3-KETOTHIOLASE DEFICIENCY; 3-OXOTHIOLASE DEFICIENCY. Identifiers: Orphanet 134, MedGen C1536500, MONDO:0008760, OMIM 203750. Disease mechanism: loss of function.

Submission:

Labcorp Genetics (formerly Invitae), Labcorp
Classification: Pathogenic for Deficiency of acetyl-CoA acetyltransferase. Last evaluated: 2022-11-08. Review status: criteria provided, single submitter. Criteria: Invitae Variant Classification Sherloc (09022015). Collection method: clinical testing. Allele origin: germline.
Comment: This frameshift has been observed in individual(s) with clinical features of beta-ketothiolase deficiency (Invitae). In at least one individual the data is consistent with being in trans (on the opposite chromosome) from a pathogenic variant. ClinVar contains an entry for this variant (Variation ID: 853510). This variant disrupts a region of the ACAT1 protein in which other variant(s) (p.Gly418Asp) have been observed in individuals with ACAT1-related conditions (PMID: 28689740). This suggests that this is a clinically significant region of the protein, and that variants that disrupt it are likely to be disease-causing. For these reasons, this variant has been classified as Pathogenic. This sequence change results in a frameshift in the ACAT1 gene (p.Gln404Hisfs*66). While this is not anticipated to result in nonsense mediated decay, it is expected to disrupt the last 24 amino acid(s) of the ACAT1 protein and extend the protein by 41 additional amino acid residues. This variant is not present in population databases (gnomAD no frequency).

Literature cited by the submitters: PubMed 28689740.